The following is an entry in ClinVar:

ClinVar aggregate classification (germline): Likely pathogenic (1 of 4 stars; one submission).

Conditions:
Cardiovascular phenotype. Identifiers: MedGen CN230736.

Submission:

Ambry Genetics
Classification: Likely pathogenic for Cardiovascular phenotype. Last evaluated: 2023-09-19. Review status: criteria provided, single submitter. Criteria: Ambry Variant Classification Scheme 2023. Collection method: clinical testing. Allele origin: germline.
Comment: The c.18352_18356delTTACA variant, located in coding exon 73 of the TTN gene, results from a deletion of 5 nucleotides at nucleotide positions 18352 to 18356, causing a translational frameshift with a predicted alternate stop codon (p.L6118Rfs*22). This exon is located in the I-band region of the N2-B isoform of the titin protein and is constitutively expressed in TTN transcripts (percent spliced in or PSI 100%). This alteration is expected to result in loss of function by premature protein truncation or nonsense-mediated mRNA decay. While truncating variants in TTN are present in 1-3% of the general population, truncating variants in the A-band are the most common cause of dilated cardiomyopathy (DCM) (Herman DS et al. N. Engl. J. Med., 2012 Feb;366:619-28; Roberts AM et al. Sci Transl Med, 2015 Jan;7:270ra6). TTN truncating variants encoded in constitutive exons (PSI >90%) have been found to be significantly associated with DCM regardless of their position in titin (Schafer S et al. Nat. Genet., 2017 01;49:46-53). This variant is considered to be rare based on population cohorts in the Genome Aggregation Database (gnomAD). Based on the majority of available evidence to date, this variant is likely to be pathogenic.

NM_001267550.2(TTN):c.45547_45551del (p.Leu15183fs)

Genes: TTN (titin; minus strand), LOC126806427 (BRD4-independent group 4 enhancer GRCh37_chr2:179485777-179486976; plus strand). Cytogenetic location: 2q31.2.
Variant type: Deletion.
Coding change: c.45547_45551del on transcript NM_001267550.2 (MANE Select); coding-DNA positions 45547 to 45551, 5 bases deleted (TTACA; older notation c.45547_45551delTTACA).
Protein change: p.Leu15183fs; shifts the reading frame from leucine 15183.
Molecular consequence: frameshift variant.
Genome position (GRCh38, 1-based): chr2:178,621,167-178,621,171, TGTAA deleted on the plus strand (TTACA on the coding strand, the reverse complement: TTN is on the minus strand); deleting any 5 consecutive bases within chr2:178,621,167-178,621,174 gives the same sequence; the c. name uses the placement nearest the transcript's 3' end. VCF-style (leftmost placement, unchanged base first): chr2-178621166-TTGTAA-T. GRCh37 (hg19) VCF-style: chr2-179485893-TTGTAA-T.
Other names: c.40624_40628del, p.Leu13542fs (NM_001256850.1); c.18352_18356del, p.Leu6118fs (NM_003319.4); c.37843_37847del, p.Leu12615fs (NM_133378.4); c.18727_18731del, p.Leu6243fs (NM_133432.3); c.18928_18932del, p.Leu6310fs (NM_133437.4); c.18352_18356delTTACA (NM_003319.4); short protein forms L12615fs, L13542fs, L15183fs, L6118fs, L6243fs, L6310fs.
Identifiers: ClinVar variation 3223209 (VCV003223209.1), dbSNP rs2471035397, ClinGen allele CA2825001038.